The following is an entry in ClinVar:

NM_139343.3(BIN1):c.1462-3C>T

Gene: BIN1 (bridging integrator 1; minus strand). Cytogenetic location: 2q14.3.
Variant type: single nucleotide variant.
Coding change: c.1462-3C>T on transcript NM_139343.3 (MANE Select); 3 bases into the intron before coding-DNA position 1462, C replaced by T.
Molecular consequence: intron variant.
Genome position (GRCh38, 1-based): chr2:127,050,915, G>A on the plus strand (C>T on the coding strand, the complement: BIN1 is on the minus strand). VCF-style: chr2-127050915-G-A. GRCh37 (hg19) VCF-style: chr2-127808491-G-A.
Other names: c.1381-3C>T (NM_001320642.1); c.838-3C>T (NM_001320634.1); c.910-3C>T (NM_139351.3); c.1000-3C>T (NM_139350.3); c.1108-3C>T (NM_139349.3); c.1129-3C>T (NM_139348.3); c.1237-3C>T (NM_139347.3); c.1369-3C>T (NM_001320641.2); and 7 more.
Identifiers: ClinVar variation 577844 (VCV000577844.19), dbSNP rs200384643, ClinGen allele CA1857029.

ClinVar aggregate classification (germline): Conflicting classifications of pathogenicity. Review status: criteria provided, conflicting classifications (1 of 4 stars). 5 submissions from 5 submitters: Uncertain significance (4); Likely benign (1). Last evaluated 2025-12-01.

Conditions:
Myopathy, centronuclear, 2 (CNM2). Also called: MYOTUBULAR MYOPATHY, AUTOSOMAL RECESSIVE. Identifiers: Orphanet 169186, MedGen CN031787, MONDO:0009709, OMIM 255200.

Allele frequency attached by ClinVar (database versions not stated): gnomAD 0.00006 and 0.00008; gnomAD exomes 0.00007 and 0.00013; TOPMed 0.00008; ExAC 0.00014; 1000 Genomes Project 0.00040; 1000 Genomes Project 30x 0.00047.
gnomAD v4.1: 126 of 1,613,594 alleles (0.0078%); highest among the groups gnomAD compares: Middle Eastern, 0.082%; 2 homozygotes.

Submissions (6):

Labcorp Genetics (formerly Invitae), Labcorp
Classification: Uncertain significance for Myopathy, centronuclear, 2. Last evaluated: 2025-12-01. Review status: criteria provided, single submitter. Criteria: Invitae Variant Classification Sherloc (09022015). Collection method: clinical testing. Allele origin: germline.
Comment: This sequence change falls in intron 16 of the BIN1 gene. It does not directly change the encoded amino acid sequence of the BIN1 protein. It affects a nucleotide within the consensus splice site. This variant is present in population databases (rs200384643, gnomAD 0.03%). This variant has not been reported in the literature in individuals affected with BIN1-related conditions. ClinVar contains an entry for this variant (Variation ID: 577844). Variants that disrupt the consensus splice site are a relatively common cause of aberrant splicing (PMID: 17576681, 9536098). Algorithms developed to predict the effect of sequence changes on RNA splicing suggest that this variant is not likely to affect RNA splicing. In summary, the available evidence is currently insufficient to determine the role of this variant in disease. Therefore, it has been classified as a Variant of Uncertain Significance.

CeGaT Center for Human Genetics Tuebingen
Classification: Likely benign. Last evaluated: 2025-11-01. Review status: criteria provided, single submitter. Criteria: CeGaT Center For Human Genetics Tuebingen Variant Classification Criteria Version 2. Collection method: clinical testing. Allele origin: germline. Affected: yes. Observed: 1 variant allele.
Comment: BIN1: BP4

Revvity Omics, Revvity
Classification: Uncertain significance for Myopathy, centronuclear, 2. Last evaluated: 2025-05-07. Review status: criteria provided, single submitter. Criteria: ACMG Guidelines, 2015. Collection method: clinical testing. Allele origin: germline.

Fulgent Genetics
Classification: Uncertain significance for Myopathy, centronuclear, 2. Last evaluated: 2024-04-11. Review status: criteria provided, single submitter. Criteria: ACMG Guidelines, 2015. Collection method: clinical testing. Allele origin: germline.

Breakthrough Genomics
Classification: Uncertain significance. Review status: criteria provided, single submitter. Criteria: ACMG Guidelines, 2015. Collection method: not provided. Allele origin: germline. Inheritance: Autosomal recessive inheritance. Affected: yes.

Dr. Peter K. Rogan Lab, Western University
No classification provided (evidence only). Condition: Thymoma. Review status: no classification provided. Collection method: in vitro. Allele origin: not applicable. Functional consequence: skipped exon. Not counted in ClinVar's aggregate classification.

Literature cited by the submitters: PubMed 17576681 (cited by Labcorp Genetics (formerly Invitae), Labcorp); PubMed 9536098 (cited by Labcorp Genetics (formerly Invitae), Labcorp).